The following is an entry in ClinVar:

NM_001017995.3(SH3PXD2B):c.*1750T>C

Gene: SH3PXD2B (SH3 and PX domains 2B; minus strand). Cytogenetic location: 5q35.1.
Variant type: single nucleotide variant.
Coding change: c.*1750T>C on transcript NM_001017995.3 (MANE Select); 1750 bases downstream of the stop codon, T replaced by C.
Molecular consequence: 3 prime UTR variant. On other transcripts: intron variant (1).
Genome position (GRCh38, 1-based): chr5:172,336,619, A>G on the plus strand (T>C on the coding strand, the complement: SH3PXD2B is on the minus strand). VCF-style: chr5-172336619-A-G. GRCh37 (hg19) VCF-style: chr5-171763623-A-G.
Other names: c.1188+9517T>C (NM_001308175.2).
Identifiers: ClinVar variation 352767 (VCV000352767.5), dbSNP rs3812019, ClinGen allele CA10619967.

ClinVar aggregate classification (germline): Benign (1 of 4 stars; one submission).

Conditions:
Frank-Ter Haar syndrome. Also called: BORRONE DERMATOCARDIOSKELETAL SYNDROME; TER HAAR SYNDROME; MELNICK-NEEDLES SYNDROME, AUTOSOMAL RECESSIVE; Borrone di Rocco Crovato syndrome. Identifiers: Orphanet 1266, Orphanet 137834, MedGen C1855305, MONDO:0009579, OMIM 249420.

Allele frequency attached by ClinVar (database versions not stated): gnomAD exomes 0.02163; gnomAD 0.02978 and 0.03163; TOPMed 0.03314; 1000 Genomes Project 0.05551; 1000 Genomes Project 30x 0.05715.
gnomAD v4.1: 22,993 of 985,768 alleles (2.3%); highest among the groups gnomAD compares: East Asian, 12%; 392 homozygotes.

Submission:

Illumina Laboratory Services, Illumina
Classification: Benign for Frank-Ter Haar syndrome. Last evaluated: 2018-01-12. Review status: criteria provided, single submitter. Criteria: ICSL Variant Classification Criteria 13 December 2019. Collection method: clinical testing. Allele origin: germline.
Comment: This variant was observed in the ICSL laboratory as part of a predisposition screen in an ostensibly healthy population. It had not been previously curated by ICSL or reported in the Human Gene Mutation Database (HGMD: prior to June 1st, 2018), and was therefore a candidate for classification through an automated scoring system. Utilizing variant allele frequency, disease prevalence and penetrance estimates, and inheritance mode, an automated score was calculated to assess if this variant is too frequent to cause the disease. Based on the score and internal cut-off values, a variant classified as benign is not then subjected to further curation. The score for this variant resulted in a classification of benign for this disease.